The following is an entry in ClinVar:

ClinVar aggregate classification (germline): Uncertain significance (1 of 4 stars; one submission).

gnomAD v4.1: 2 of 1,613,808 alleles (0.00012%); highest among the groups gnomAD compares: Non-Finnish European, 0.00017%; no homozygotes.

Submission:

GeneDx
Classification: Uncertain significance. Last evaluated: 2024-03-05. Review status: criteria provided, single submitter. Criteria: GeneDx Variant Classification Process June 2021. Collection method: clinical testing. Allele origin: germline. Affected: yes.
Comment: Not observed at significant frequency in large population cohorts (gnomAD); In silico analysis supports that this variant does not alter splicing; Has not been previously published as pathogenic or benign to our knowledge

NM_139319.3(SLC17A8):c.1632G>A (p.Lys544=)

Gene: SLC17A8 (solute carrier family 17 member 8; plus strand). Cytogenetic location: 12q23.1.
Variant type: single nucleotide variant.
Coding change: c.1632G>A on transcript NM_139319.3 (MANE Select); coding-DNA position 1632, G replaced by A.
Protein change: p.Lys544=; no amino-acid change (lysine 544 retained).
Molecular consequence: synonymous variant.
Genome position (GRCh38, 1-based): chr12:100,420,021, G>A. VCF-style: chr12-100420021-G-A. GRCh37 (hg19) VCF-style: chr12-100813799-G-A.
Other names: c.1482G>A, p.Lys494= (NM_001145288.2).
Identifiers: ClinVar variation 3369660 (VCV003369660.1).
Genomic context (GRCh38, chr12:100,420,021, plus strand): 5'-CCAGGACGAATTAGCTGAGGAGATAGAACTCAACCATGAGAGTTTTGCGAGTCCCAAAAA[G>A]AAGATGTCTTATGGAGCCACCTCCCAGAATTGTGAAGTCCAGAAGAAGGAATGGAAAGGA-3'
Protein context (NP_647480.1, residues 534-554): LNHESFASPK[Lys544=]KMSYGATSQN